The following is an entry in ClinVar:

ClinVar aggregate classification (germline): Pathogenic/Likely pathogenic. Review status: criteria provided, multiple submitters, no conflicts (2 of 4 stars). 2 submissions from 2 submitters: Pathogenic (1); Likely pathogenic (1). Last evaluated 2024-09-04.

Conditions:
IFT81-related disorders.

Allele frequency attached by ClinVar (database versions not stated): gnomAD 0.00001; TOPMed 0.00001.
gnomAD v4.1: 17 of 1,612,990 alleles (0.0011%); highest among the groups gnomAD compares: South Asian, 0.0022%; no homozygotes.

Submissions (2):

Blueprint Genetics
Classification: Likely pathogenic for IFT81-related disorders. Last evaluated: 2024-09-04. Review status: criteria provided, single submitter. Criteria: ACMG Guidelines, 2015. Collection method: clinical testing. Allele origin: germline. Affected: yes. Observed: 3 variant alleles.

Labcorp Genetics (formerly Invitae), Labcorp
Classification: Pathogenic. Last evaluated: 2022-07-01. Review status: criteria provided, single submitter. Criteria: Invitae Variant Classification Sherloc (09022015). Collection method: clinical testing. Allele origin: germline.
Comment: For these reasons, this variant has been classified as Pathogenic. ClinVar contains an entry for this variant (Variation ID: 1071114). This variant has not been reported in the literature in individuals affected with IFT81-related conditions. This variant is present in population databases (no rsID available, gnomAD 0.007%). This sequence change creates a premature translational stop signal (p.Arg213*) in the IFT81 gene. It is expected to result in an absent or disrupted protein product. Loss-of-function variants in IFT81 are known to be pathogenic (PMID: 26275418, 27666822).

Literature cited by the submitters: PubMed 26275418 (cited by Labcorp Genetics (formerly Invitae), Labcorp); PubMed 27666822 (cited by Labcorp Genetics (formerly Invitae), Labcorp).

NM_014055.4(IFT81):c.637C>T (p.Arg213Ter)

Gene: IFT81 (intraflagellar transport 81; plus strand). Cytogenetic location: 12q24.11.
Variant type: single nucleotide variant.
Coding change: c.637C>T on transcript NM_014055.4 (MANE Select); coding-DNA position 637, C replaced by T.
Protein change: p.Arg213Ter; replaces arginine 213 with a stop codon.
Molecular consequence: nonsense. On other transcripts: 5 prime UTR variant (2), non-coding transcript variant (4).
Genome position (GRCh38, 1-based): chr12:110,135,378, C>T. VCF-style: chr12-110135378-C-T. GRCh37 (hg19) VCF-style: chr12-110573183-C-T.
Other names: c.637C>T, p.Arg213Ter (NM_001143779.2, NM_001347946.2, NM_031473.4); c.-130C>T (NM_001347947.2, NM_001347948.2); short protein forms R213*.
Identifiers: ClinVar variation 1071114 (VCV001071114.8), dbSNP rs1051497484, ClinGen allele CA243925224.